The following is an entry in ClinVar:

ClinVar aggregate classification (germline): Uncertain significance. Review status: criteria provided, multiple submitters, no conflicts (2 of 4 stars). 2 submissions from 2 submitters: Uncertain significance (2). Last evaluated 2026-04-17.

Conditions:
Inborn genetic diseases. Identifiers: MedGen C0950123, MeSH D030342.

gnomAD v4.1: 196 of 1,613,826 alleles (0.012%); highest among the groups gnomAD compares: Non-Finnish European, 0.016%; no homozygotes.

Submissions (2):

GeneDx
Classification: Uncertain significance. Last evaluated: 2026-04-17. Review status: criteria provided, single submitter. Criteria: GeneDx Variant Classification Process June 2021. Collection method: clinical testing. Allele origin: germline.
Comment: In silico analysis suggests that this missense variant does not alter protein structure/function; Has not been previously published as pathogenic or benign to our knowledge

Ambry Genetics
Classification: Uncertain significance for Inborn genetic diseases. Last evaluated: 2025-09-01. Review status: criteria provided, single submitter. Criteria: Ambry Variant Classification Scheme 2023. Collection method: clinical testing. Allele origin: germline.

NM_000552.5(VWF):c.869C>A (p.Ala290Glu)

Gene: VWF (von Willebrand factor; minus strand). Cytogenetic location: 12p13.31.
Variant type: single nucleotide variant.
Coding change: c.869C>A on transcript NM_000552.5 (MANE Select); coding-DNA position 869, C replaced by A.
Protein change: p.Ala290Glu; replaces alanine 290 with glutamic acid.
Molecular consequence: missense variant.
Genome position (GRCh38, 1-based): chr12:6,075,340, G>T on the plus strand (C>A on the coding strand, the complement: VWF is on the minus strand). VCF-style: chr12-6075340-G-T. GRCh37 (hg19) VCF-style: chr12-6184506-G-T.
Other names: short protein forms A290E.
Identifiers: ClinVar variation 2568984 (VCV002568984.4), dbSNP rs375397606, ClinGen allele CA6403667.